The following is an entry in ClinVar:

ClinVar aggregate classification (germline): Uncertain significance (1 of 4 stars; one submission).

Conditions:
MC3R-related disorder. Also called: MC3R-related condition.

Submission:

PreventionGenetics, part of Exact Sciences
Classification: Uncertain significance for MC3R-related condition. Last evaluated: 2025-11-21. Review status: criteria provided, single submitter. Criteria: ACMG Guidelines, 2015. Collection method: clinical testing. Allele origin: germline.
Comment: The MC3R c.591C>A variant is predicted to result in the amino acid substitution p.Phe197Leu. To our knowledge, this variant has not been reported in the literature or in a large population database (gnomAD), indicating this variant is rare. At this time, the clinical significance of this variant is uncertain due to the absence of conclusive functional and genetic evidence.

NM_019888.3(MC3R):c.591C>A (p.Phe197Leu)

Gene: MC3R (melanocortin 3 receptor; plus strand). Cytogenetic location: 20q13.2.
Variant type: single nucleotide variant.
Coding change: c.591C>A on transcript NM_019888.3 (MANE Select); coding-DNA position 591, C replaced by A.
Protein change: p.Phe197Leu; replaces phenylalanine 197 with leucine.
Molecular consequence: missense variant.
Genome position (GRCh38, 1-based): chr20:56,249,434, C>A. VCF-style: chr20-56249434-C-A. GRCh37 (hg19) VCF-style: chr20-54824490-C-A.
Other names: short protein forms F197L.
Identifiers: ClinVar variation 4982528 (VCV004982528.1).